The following is an entry in ClinVar:

NM_001080467.3(MYO5B):c.4430A>G (p.Glu1477Gly)

Genes: MYO5B (myosin VB; minus strand), SNHG22 (small nucleolar RNA host gene 22; plus strand). Cytogenetic location: 18q21.1.
Variant type: single nucleotide variant.
Coding change: c.4430A>G on transcript NM_001080467.3 (MANE Select); coding-DNA position 4430, A replaced by G.
Protein change: p.Glu1477Gly; replaces glutamic acid 1477 with glycine.
Molecular consequence: missense variant.
Genome position (GRCh38, 1-based): chr18:49,847,175, T>C on the plus strand (A>G on the coding strand, the complement: MYO5B is on the minus strand). VCF-style: chr18-49847175-T-C. GRCh37 (hg19) VCF-style: chr18-47373545-T-C.
Other names: short protein forms E1477G.
Identifiers: ClinVar variation 2158246 (VCV002158246.4), dbSNP rs2511240994, ClinGen allele CA402425945.
Genomic context (GRCh38, chr18:49,847,175, plus strand): 5'-GGCAGCATAGGGTGGCACAGAGGGTCCTTACCTGTCACCAGGTTCCGGATGAGGAGGGCC[T>C]CGTCCTCTTTGTGGTACTCCAGCATGCCCTGGAAATCCTTCTCTTTCCGCTGGACCGTGA-3'
Protein context (NP_001073936.1, residues 1467-1487): QGMLEYHKED[Glu1477Gly]ALLIRNLVTD

ClinVar aggregate classification (germline): Uncertain significance (1 of 4 stars; one submission).

Submission:

Labcorp Genetics (formerly Invitae), Labcorp
Classification: Uncertain significance. Last evaluated: 2022-10-11. Review status: criteria provided, single submitter. Criteria: Invitae Variant Classification Sherloc (09022015). Collection method: clinical testing. Allele origin: germline.
Comment: In summary, the available evidence is currently insufficient to determine the role of this variant in disease. Therefore, it has been classified as a Variant of Uncertain Significance. Advanced modeling of protein sequence and biophysical properties (such as structural, functional, and spatial information, amino acid conservation, physicochemical variation, residue mobility, and thermodynamic stability) has been performed at Invitae for this missense variant, however the output from this modeling did not meet the statistical confidence thresholds required to predict the impact of this variant on MYO5B protein function. This variant has not been reported in the literature in individuals affected with MYO5B-related conditions. This variant is not present in population databases (gnomAD no frequency). This sequence change replaces glutamic acid, which is acidic and polar, with glycine, which is neutral and non-polar, at codon 1477 of the MYO5B protein (p.Glu1477Gly).